The following is an entry in ClinVar:

ClinVar aggregate classification (germline): Uncertain significance (1 of 4 stars; one submission).

Allele frequency attached by ClinVar (database versions not stated): TOPMed below 0.00001; gnomAD 0.00003; ExAC 0.00006; gnomAD exomes 0.00007; 1000 Genomes Project 30x 0.00016.
gnomAD v4.1: 104 of 1,608,586 alleles (0.0065%); highest among the groups gnomAD compares: South Asian, 0.043%; 1 homozygote.

Submission:

Greenwood Genetic Center Diagnostic Laboratories, Greenwood Genetic Center
Classification: Uncertain significance. Last evaluated: 2023-11-06. Review status: criteria provided, single submitter. Criteria: ACMG Guidelines, 2015. Collection method: clinical testing. Allele origin: germline. Affected: yes.
Comment: PM2

NM_024989.4(PGAP1):c.2209A>G (p.Ile737Val)

Gene: PGAP1 (post-GPI attachment to proteins inositol deacylase 1; minus strand). Cytogenetic location: 2q33.1.
Variant type: single nucleotide variant.
Coding change: c.2209A>G on transcript NM_024989.4 (MANE Select); coding-DNA position 2209, A replaced by G.
Protein change: p.Ile737Val; replaces isoleucine 737 with valine.
Molecular consequence: missense variant.
Genome position (GRCh38, 1-based): chr2:196,845,959, T>C on the plus strand (A>G on the coding strand, the complement: PGAP1 is on the minus strand). VCF-style: chr2-196845959-T-C. GRCh37 (hg19) VCF-style: chr2-197710683-T-C.
Other names: c.1687A>G, p.Ile563Val (NM_001321099.2); c.1042A>G, p.Ile348Val (NM_001321100.2); short protein forms I737V, I348V, I563V.
Identifiers: ClinVar variation 2692444 (VCV002692444.1), dbSNP rs765905176, ClinGen allele CA2040690.